The following is an entry in ClinVar:

ClinVar aggregate classification (germline): Uncertain significance (1 of 4 stars; one submission).

Conditions:
Hereditary cancer-predisposing syndrome. Also called: Tumor predisposition; Neoplastic Syndromes, Hereditary; Hereditary Cancer Syndrome; Hereditary neoplastic syndrome. Identifiers: Orphanet 140162, MedGen C0027672, MeSH D009386, MONDO:0015356.

Submissions (2):

Ambry Genetics
Classification: Uncertain significance for Hereditary cancer-predisposing syndrome. Last evaluated: 2024-11-16. Review status: criteria provided, single submitter. Criteria: Ambry Variant Classification Scheme 2023. Collection method: clinical testing. Allele origin: germline.
Comment: The p.G34V variant (also known as c.101G>T), located in coding exon 1 of the FLCN gene, results from a G to T substitution at nucleotide position 101. The glycine at codon 34 is replaced by valine, an amino acid with dissimilar properties. This amino acid position is conserved. In addition, the in silico prediction for this alteration is inconclusive. Based on the available evidence, the clinical significance of this variant remains unclear.

Dr. Peter K. Rogan Lab, Western University
No classification provided (evidence only). Condition: Melanoma. Review status: no classification provided. Collection method: in vitro. Allele origin: not applicable. Functional consequence: skipped exon. Not counted in ClinVar's aggregate classification.

NM_144997.7(FLCN):c.101G>T (p.Gly34Val)

Gene: FLCN (folliculin; minus strand). Cytogenetic location: 17p11.2.
Variant type: single nucleotide variant.
Coding change: c.101G>T on transcript NM_144997.7 (MANE Select); coding-DNA position 101, G replaced by T.
Protein change: p.Gly34Val; replaces glycine 34 with valine.
Molecular consequence: missense variant.
Genome position (GRCh38, 1-based): chr17:17,228,037, C>A on the plus strand (G>T on the coding strand, the complement: FLCN is on the minus strand). VCF-style: chr17-17228037-C-A. GRCh37 (hg19) VCF-style: chr17-17131351-C-A.
Other names: NC_000017.10:g.17131351C>A; c.101G>T, p.Gly34Val (NM_001353229.2, NM_001353230.2, NM_001353231.2 and 1 more transcripts); short protein forms G34V.
Identifiers: ClinVar variation 3515668 (VCV003515668.2).
Genomic context (GRCh38, chr17:17,228,037, plus strand): 5'-ATCTGAATGCCACCTTCCTCTTCTTCCGCCTGCTCACCCTGGCCAGGACTGTCCTCATTC[C>A]CATCCCCTTGAGGAAGTGGGGCGTGCAGCACCTCCGTGCAGAAGAGAGTGCGGGGGCCGT-3'
Protein context (NP_659434.2, residues 24-44): VLHAPLPQGD[Gly34Val]NEDSPGQGEQ